The following is an entry in ClinVar:

NM_020436.5(SALL4):c.2836G>A (p.Gly946Arg)

Gene: SALL4 (spalt like transcription factor 4; minus strand). Cytogenetic location: 20q13.2.
Variant type: single nucleotide variant.
Coding change: c.2836G>A on transcript NM_020436.5 (MANE Select); coding-DNA position 2836, G replaced by A.
Protein change: p.Gly946Arg; replaces glycine 946 with arginine.
Molecular consequence: missense variant.
Genome position (GRCh38, 1-based): chr20:51,784,591, C>T on the plus strand (G>A on the coding strand, the complement: SALL4 is on the minus strand). VCF-style: chr20-51784591-C-T. GRCh37 (hg19) VCF-style: chr20-50401130-C-T.
Other names: c.1525G>A, p.Gly509Arg (NM_001318031.2); short protein forms G509R, G946R.
Identifiers: ClinVar variation 4739453 (VCV004739453.1).
Genomic context (GRCh38, chr20:51,784,591, plus strand): 5'-GGTCCACATTCACTGAAGGGGCCAGGATTTCCTTGGGAAAGATTTCTGAGACTCTTTTTC[C>T]GTCCGTACCTAACAGAGCCATGGTGTTCTCGATGGCCAACTTCCTTCCACGGCGGGCTGA-3'
Protein context (NP_065169.1, residues 936-956): ENTMALLGTD[Gly946Arg]KRVSEIFPKE

ClinVar aggregate classification (germline): Uncertain significance (1 of 4 stars; one submission).

Conditions:
Duane-radial ray syndrome (DRRS). Also called: ACRORENOOCULAR SYNDROME; DR SYNDROME; DUANE ANOMALY WITH RADIAL RAY ABNORMALITIES AND DEAFNESS; Okihiro Syndrome; Duane-Radial Ray Syndrome/Okihiro Syndrome; Duane-Radial Ray Syndrome (DRRS) / Okihiro Syndrome. Identifiers: Orphanet 93293, Orphanet 959, MedGen C1623209, MONDO:0011812, OMIM 607323. Disease mechanism: gain of function.

Submission:

Labcorp Genetics (formerly Invitae), Labcorp
Classification: Uncertain significance for Duane-radial ray syndrome. Last evaluated: 2025-06-22. Review status: criteria provided, single submitter. Criteria: Invitae Variant Classification Sherloc (09022015). Collection method: clinical testing. Allele origin: germline.
Comment: This sequence change replaces glycine, which is neutral and non-polar, with arginine, which is basic and polar, at codon 946 of the SALL4 protein (p.Gly946Arg). This variant is present in population databases (no rsID available, gnomAD 0.003%). This variant has not been reported in the literature in individuals affected with SALL4-related conditions. An algorithm developed to predict the effect of missense changes on protein structure and function (PolyPhen-2) suggests that this variant is likely to be tolerated. In summary, the available evidence is currently insufficient to determine the role of this variant in disease. Therefore, it has been classified as a Variant of Uncertain Significance.